The following is an entry in ClinVar:

NM_024649.5(BBS1):c.1491del (p.Thr498fs)

Genes: BBS1 (Bardet-Biedl syndrome 1; plus strand), ZDHHC24 (zDHHC palmitoyltransferase 24; minus strand). Cytogenetic location: 11q13.2.
Variant type: Deletion.
Coding change: c.1491del on transcript NM_024649.5 (MANE Select); coding-DNA position 1491, one base deleted (C; older notation c.1491delC).
Protein change: p.Thr498fs; shifts the reading frame from threonine 498.
Molecular consequence: frameshift variant. On other transcripts: intron variant (1).
Genome position (GRCh38, 1-based): chr11:66,530,911, C deleted; the last of 4 consecutive C bases (chr11:66,530,908-66,530,911); deleting any one gives the same sequence. VCF-style (leftmost placement, unchanged base first): chr11-66530907-GC-G. GRCh37 (hg19) VCF-style: chr11-66298378-GC-G.
Other names: c.560-1420del (NM_001348571.2); short protein forms T498fs.
Identifiers: ClinVar variation 1451442 (VCV001451442.8), dbSNP rs2134836723, ClinGen allele CA2573147574.

ClinVar aggregate classification (germline): Pathogenic (1 of 4 stars; one submission).

Conditions:
Bardet-Biedl syndrome (BBS). Identifiers: Orphanet 110, MedGen C0752166, MONDO:0015229.

Submission:

Labcorp Genetics (formerly Invitae), Labcorp
Classification: Pathogenic for Bardet-Biedl syndrome. Last evaluated: 2021-10-05. Review status: criteria provided, single submitter. Criteria: Invitae Variant Classification Sherloc (09022015). Collection method: clinical testing. Allele origin: germline.
Comment: This sequence change creates a premature translational stop signal (p.Thr498Profs*81) in the BBS1 gene. While this is not anticipated to result in nonsense mediated decay, it is expected to disrupt the last 96 amino acid(s) of the BBS1 protein. This variant is not present in population databases (ExAC no frequency). This variant has not been reported in the literature in individuals affected with BBS1-related conditions. This variant disrupts a region of the BBS1 protein in which other variant(s) (p.Arg570*) have been determined to be pathogenic (PMID: 25170860, 28559085). This suggests that this is a clinically significant region of the protein, and that variants that disrupt it are likely to be disease-causing. For these reasons, this variant has been classified as Pathogenic.

Literature cited by the submitters: PubMed 25170860; PubMed 28559085.